The following is an entry in ClinVar:

ClinVar aggregate classification (germline): Uncertain significance (1 of 4 stars; one submission).

Submission:

GeneDx
Classification: Uncertain significance. Last evaluated: 2026-02-03. Review status: criteria provided, single submitter. Criteria: GeneDx Variant Classification Process June 2021. Collection method: clinical testing. Allele origin: germline.
Comment: Nonsense variant predicted to result in protein truncation or nonsense mediated decay in a gene or region of a gene for which loss of function is not a well-established mechanism of disease; Not observed at significant frequency in large population cohorts (gnomAD); Has not been previously published as pathogenic or benign to our knowledge

NM_001297719.2(BMAL1):c.496C>T (p.Arg166Ter)

Gene: BMAL1 (basic helix-loop-helix ARNT like 1; plus strand). Cytogenetic location: 11p15.3.
Variant type: single nucleotide variant.
Coding change: c.496C>T on transcript NM_001297719.2 (MANE Select); coding-DNA position 496, C replaced by T.
Protein change: p.Arg166Ter; replaces arginine 166 with a stop codon.
Molecular consequence: nonsense. On other transcripts: 5 prime UTR variant (1), non-coding transcript variant (7).
Genome position (GRCh38, 1-based): chr11:13,365,536, C>T. VCF-style: chr11-13365536-C-T. GRCh37 (hg19) VCF-style: chr11-13387083-C-T.
Other names: c.457C>T, p.Arg153Ter (NM_001351805.2, NM_001351806.2); c.496C>T, p.Arg166Ter (NM_001351807.2, NM_001351810.2, NM_001351814.2 and 8 more transcripts); c.367C>T, p.Arg123Ter (NM_001351808.2, NM_001351813.2, NM_001351816.2 and 7 more transcripts); c.445C>T, p.Arg149Ter (NM_001351809.2, NM_001351812.2); c.-176C>T (NM_001351811.2); short protein forms R123*, R149*, R153*, R166*.
Identifiers: ClinVar variation 4976010 (VCV004976010.1).